The following is an entry in ClinVar:

ClinVar aggregate classification (germline): Benign (1 of 4 stars; one submission).

Allele frequency attached by ClinVar (database versions not stated): 1000 Genomes Project 30x 0.49469; 1000 Genomes Project 0.49561; TOPMed 0.55792; gnomAD 0.57886 and 0.57897.
gnomAD v4.1: 88,080 of 151,916 alleles (58%); highest among the groups gnomAD compares: Non-Finnish European, 69%; 27,511 homozygotes.

Submission:

GeneDx
Classification: Benign. Last evaluated: 2018-06-19. Review status: criteria provided, single submitter. Criteria: GeneDx Variant Classification (06012015). Collection method: clinical testing. Allele origin: germline. Affected: yes.
Comment: This variant is considered likely benign or benign based on one or more of the following criteria: it is a conservative change, it occurs at a poorly conserved position in the protein, it is predicted to be benign by multiple in silico algorithms, and/or has population frequency not consistent with disease.

NM_032578.4(MYPN):c.3159-261T>C

Gene: MYPN (myopalladin; plus strand). Cytogenetic location: 10q21.3.
Variant type: single nucleotide variant.
Coding change: c.3159-261T>C on transcript NM_032578.4 (MANE Select); 261 bases into the intron before coding-DNA position 3159, T replaced by C.
Molecular consequence: intron variant.
Genome position (GRCh38, 1-based): chr10:68,197,091, T>C. VCF-style: chr10-68197091-T-C. GRCh37 (hg19) VCF-style: chr10-69956848-T-C.
Other names: c.3159-261T>C (NM_001256267.2); c.2277-261T>C (NM_001256268.2).
Identifiers: ClinVar variation 668993 (VCV000668993.1), dbSNP rs6480311, ClinGen allele CA13193339.